The following is an entry in ClinVar:

NM_001283009.2(RTEL1):c.1270C>T (p.His424Tyr)

Genes: RTEL1 (regulator of telomere elongation helicase 1; plus strand), RTEL1-TNFRSF6B (RTEL1-TNFRSF6B readthrough (NMD candidate); plus strand). Cytogenetic location: 20q13.33.
Variant type: single nucleotide variant.
Coding change: c.1270C>T on transcript NM_001283009.2 (MANE Select); coding-DNA position 1270, C replaced by T.
Protein change: p.His424Tyr; replaces histidine 424 with tyrosine.
Molecular consequence: missense variant. On other transcripts: non-coding transcript variant (1).
Genome position (GRCh38, 1-based): chr20:63,685,794, C>T. VCF-style: chr20-63685794-C-T. GRCh37 (hg19) VCF-style: chr20-62317147-C-T.
Other names: c.601C>T, p.His201Tyr (NM_001283010.1); c.1270C>T, p.His424Tyr (NM_016434.4); c.1342C>T, p.His448Tyr (NM_032957.5); short protein forms H201Y, H424Y, H448Y.
Identifiers: ClinVar variation 1055851 (VCV001055851.10), dbSNP rs1568703945, ClinGen allele CA409675916.

ClinVar aggregate classification (germline): Uncertain significance. Review status: criteria provided, multiple submitters, no conflicts (2 of 4 stars). 2 submissions from 2 submitters: Uncertain significance (2). Last evaluated 2025-01-11.

Conditions:
Inborn genetic diseases. Identifiers: MedGen C0950123, MeSH D030342.
Pulmonary fibrosis and/or bone marrow failure, Telomere-related, 3. Also called: PULMONARY FIBROSIS AND/OR BONE MARROW FAILURE SYNDROME, TELOMERE-RELATED, 3. Identifiers: Orphanet 2032, MedGen C4225346, MONDO:0014613, OMIM 616373.
Dyskeratosis congenita, autosomal recessive 5 (DKCB5). Identifiers: MedGen C3554656, MONDO:0014076, OMIM 615190.

Allele frequency attached by ClinVar (database versions not stated): gnomAD exomes below 0.00001 and 0.00001.
gnomAD v4.1: 9 of 1,612,056 alleles (0.00056%); highest among the groups gnomAD compares: South Asian, 0.0011%; no homozygotes.

Submissions (2):

Ambry Genetics
Classification: Uncertain significance for Inborn genetic diseases. Last evaluated: 2025-01-11. Review status: criteria provided, single submitter. Criteria: Ambry Variant Classification Scheme 2023. Collection method: clinical testing. Allele origin: germline.
Comment: The p.H424Y variant (also known as c.1270C>T), located in coding exon 15 of the RTEL1 gene, results from a C to T substitution at nucleotide position 1270. The histidine at codon 424 is replaced by tyrosine, an amino acid with similar properties. This amino acid position is conserved. In addition, the in silico prediction for this alteration is inconclusive. Based on the available evidence, the clinical significance of this variant remains unclear.

Labcorp Genetics (formerly Invitae), Labcorp
Classification: Uncertain significance for Dyskeratosis congenita, autosomal recessive 5; Pulmonary fibrosis and/or bone marrow failure, Telomere-related, 3. Last evaluated: 2020-08-20. Review status: criteria provided, single submitter. Criteria: Invitae Variant Classification Sherloc (09022015). Collection method: clinical testing. Allele origin: germline.
Comment: Algorithms developed to predict the effect of missense changes on protein structure and function are either unavailable or do not agree on the potential impact of this missense change (SIFT: "Deleterious"; PolyPhen-2: "Possibly Damaging"; Align-GVGD: "Class C0"). This variant has not been reported in the literature in individuals with RTEL1-related conditions. This variant is not present in population databases (ExAC no frequency). This sequence change replaces histidine with tyrosine at codon 424 of the RTEL1 protein (p.His424Tyr). The histidine residue is moderately conserved and there is a moderate physicochemical difference between histidine and tyrosine. In summary, the available evidence is currently insufficient to determine the role of this variant in disease. Therefore, it has been classified as a Variant of Uncertain Significance.